The following is an entry in ClinVar:

NM_000283.4(PDE6B):c.592G>A (p.Gly198Ser)

Gene: PDE6B (phosphodiesterase 6B; plus strand). Cytogenetic location: 4p16.3.
Variant type: single nucleotide variant.
Coding change: c.592G>A on transcript NM_000283.4 (MANE Select); coding-DNA position 592, G replaced by A.
Protein change: p.Gly198Ser; replaces glycine 198 with serine.
Molecular consequence: missense variant.
Genome position (GRCh38, 1-based): chr4:634,800, G>A. VCF-style: chr4-634800-G-A. GRCh37 (hg19) VCF-style: chr4-628589-G-A.
Other names: c.592G>A, p.Gly198Ser (NM_001145291.2); short protein forms G198S.
Identifiers: ClinVar variation 964476 (VCV000964476.13), dbSNP rs199690401, ClinGen allele CA2794006.

ClinVar aggregate classification (germline): Uncertain significance. Review status: criteria provided, multiple submitters, no conflicts (2 of 4 stars). 4 submissions from 4 submitters: Uncertain significance (4). Last evaluated 2025-01-14.

Conditions:
Retinal dystrophy. Also called: Inherited retinal dystrophy. Identifiers: Orphanet 71862, MedGen C0854723, MeSH D058499, MONDO:0019118, HP:0000556.
Congenital stationary night blindness autosomal dominant 2. Also called: NIGHT BLINDNESS, CONGENITAL STATIONARY, RAMBUSCH TYPE. Identifiers: Orphanet 215, MedGen C1876182, MONDO:0008099, OMIM 163500.

Allele frequency attached by ClinVar (database versions not stated): ExAC 0.00004; TOPMed 0.00004; gnomAD 0.00005; ESP Exome Variant Server 0.00008; 1000 Genomes Project 30x 0.00016; 1000 Genomes Project 0.00020.
gnomAD v4.1: 34 of 1,613,924 alleles (0.0021%); highest among the groups gnomAD compares: East Asian, 0.027%; no homozygotes.

Submissions (4):

Labcorp Genetics (formerly Invitae), Labcorp
Classification: Uncertain significance. Last evaluated: 2025-01-14. Review status: criteria provided, single submitter. Criteria: Invitae Variant Classification Sherloc (09022015). Collection method: clinical testing. Allele origin: germline.
Comment: This sequence change replaces glycine, which is neutral and non-polar, with serine, which is neutral and polar, at codon 198 of the PDE6B protein (p.Gly198Ser). This variant is present in population databases (rs199690401, gnomAD 0.02%). This missense change has been observed in individual(s) with retinitis pigmentosa (PMID: 33177553, 33946315). ClinVar contains an entry for this variant (Variation ID: 964476). Invitae Evidence Modeling of protein sequence and biophysical properties (such as structural, functional, and spatial information, amino acid conservation, physicochemical variation, residue mobility, and thermodynamic stability) indicates that this missense variant is not expected to disrupt PDE6B protein function with a negative predictive value of 80%. In summary, the available evidence is currently insufficient to determine the role of this variant in disease. Therefore, it has been classified as a Variant of Uncertain Significance.

Dept Of Ophthalmology, Nagoya University
Classification: Uncertain significance for Retinal dystrophy. Last evaluated: 2023-10-01. Review status: criteria provided, single submitter. Criteria: Submitter's publication. Collection method: research. Allele origin: germline. Affected: yes.

Department of Pathology and Laboratory Medicine, Sinai Health System
Classification: Uncertain significance for Congenital stationary night blindness autosomal dominant 2. Last evaluated: 2022-12-28. Review status: criteria provided, single submitter. Criteria: ACMG Guidelines, 2015. Collection method: research. Allele origin: germline.

Blueprint Genetics
Classification: Uncertain significance. Last evaluated: 2021-08-25. Review status: criteria provided, single submitter. Criteria: ACMG Guidelines, 2015. Collection method: clinical testing. Allele origin: germline.

Literature cited by the submitters: PubMed 33177553 (cited by Labcorp Genetics (formerly Invitae), Labcorp); PubMed 33946315 (cited by Labcorp Genetics (formerly Invitae), Labcorp).